The following continues an entry in ClinVar:

NM_007294.4(BRCA1):c.181T>G (p.Cys61Gly)

Gene: BRCA1. ClinVar aggregate classification (germline): Pathogenic. Pathogenic (1).

Submissions 39 to 53 of 77:

GeneDx
Classification: Pathogenic. Last evaluated: 2020-01-10. Review status: criteria provided, single submitter. Criteria: GeneDx Variant Classification Process June 2021. Collection method: clinical testing. Allele origin: germline. Affected: yes. Not counted in ClinVar's aggregate classification.
Comment: Recurrent founder variant in the Polish, German, Czech Republic, and Austrian populations (Karami 2013); Multifactorial studies suggest this variant is associated with breast and ovarian cancer (Lindor 2012); Published functional studies demonstrate a damaging effect: variant shown in both mouse and in vitro studies to disrupt proper function of the BRCA1 protein (Ruffner 2001, Chang 2009, Ransburgh 2010, Drost 2011); Not observed at a significant frequency in large population cohorts (gnomAD); In silico analysis, which includes protein predictors and evolutionary conservation, supports a deleterious effect; Also known as 300T>G; This variant is associated with the following publications: (PMID: 10788334, 22843421, 22172724, 21503673, 24489791, 21965345, 20345474, 22006311, 21324516, 20507347, 15235020, 7894493, 24516540, 27928164, 18097605, 9663595, 29339979, 29433453, 28477318, 29335924, 11320250, 19770520, 20103620, 21990134, 24312913, 17319787, 16168118, 9525870, 18680205, 20180014, 21922593, 23867111, 24728189, 23695190, 24504028, 21520273, 19543972, 25782689, 27043660, 26852130, 26779294, 24528374, 27194814, 26915939, 28123851, 26246475, 26689913, 27153395, 27433846, 25085752, 27836010, 25823446, 26681312, 27272900, 20569256, 28166811, 11802209, 19594371, 28454591, 28503720, 28495237, 28324225, 28285342, 18489799, 29492181, 23161852, 30209399, 30219179, 27978560, 28423363, 29310832, 30067863, 29506128, 29446198, 30720243, 30322717, 31090900, 31159747, 30918533, 31347298, 31209999, 30079159, 30040829, 29254167, 26656232, 26183948, 25814778, 23788959, 23397983, 21232165, 20683152, 20567915, 33484353, 25525159, 31447099, 32341426, 32719484, 14986830, 32885271, 33087888, 33507482, 33674644)

GeneKor MSA
Classification: Pathogenic for Hereditary Breast Carcinoma. Last evaluated: 2020-01-01. Review status: criteria provided, single submitter. Criteria: ACMG Guidelines, 2015. Collection method: clinical testing. Allele origin: germline. Affected: yes. Not counted in ClinVar's aggregate classification.
Comment: This sequence change replaces cysteine with glycine at codon 61 of the BRCA1 protein (p.Cys61Gly). The cysteine residue is highly conserved among species and is located in RING finger domain of the BRCA1 protein. There is a large physiochemical difference between cysteine and glycine (Grantham Score 159). This variant is present in population databases (rs28897672, 0.01%) and has been reported in the literature as a common cause of breast and ovarian cancer in individuals of Eastern European ancestry (PMID: 20345474 ; 19594371). It has been reported in hundreds of individuals affected with these cancers (PMID: 21324516 ). It is also known as 300T>G in the literature. The mutation database ClinVar contains entries for this variant (Variation ID:17661 )Algorithms developed to predict the effect of missense changes on protein structure and function suggest that this variant is likely to be damaging. In addition, experimental studies have shown that this variant disrupts several aspects of BRCA1 function (PMID: 22172724, 23867111 ).

Mendelics
Classification: Pathogenic for Breast-ovarian cancer, familial, susceptibility to, 1. Last evaluated: 2019-05-28. Review status: criteria provided, single submitter. Criteria: Mendelics Assertion Criteria 2017. Collection method: clinical testing. Allele origin: unknown. Not counted in ClinVar's aggregate classification.

Laboratory for Molecular Medicine, Mass General Brigham Personalized Medicine
Classification: Pathogenic for Hereditary breast ovarian cancer syndrome. Last evaluated: 2019-01-31. Review status: criteria provided, single submitter. Criteria: LMM Criteria. Collection method: clinical testing. Allele origin: germline. Inheritance: Autosomal dominant inheritance. Observed: 1 variant allele. Not counted in ClinVar's aggregate classification.
Comment: This variant has been identified in 8/65364 European chromosomes by the Exome Aggregation Consortium (ExAC; dbSNP rs28897672). Please note this frequency is low enough to be consistent with the frequency of hereditary breast and ovarian cancer (HBOC) in the general population. In vitro functional studies have shown that the p.Cys61Gly variant disrupts protein function and produces drug-resistant tumors in mouse models (Brzvoic 1998 and Drost 2011). In summary, this variant meets our criteria to be classified as pathogenic for HBOC in an autosomal dominant manner based upon segregation studies, presence in affected individuals, low frequency in controls, and functional evidence. The ACMG/AMP criteria applied: PS4, PS3_M, PP1_M, PM2_P.

Women's Health and Genetics/Laboratory Corporation of America, LabCorp
Classification: Pathogenic for Hereditary breast ovarian cancer syndrome. Last evaluated: 2017-08-24. Review status: criteria provided, single submitter. Criteria: LabCorp Variant Classification Summary - May 2015. Collection method: clinical testing. Allele origin: germline. Not counted in ClinVar's aggregate classification.
Comment: Variant summary: The BRCA1 c.181T>G (p.Cys61Gly) variant involves the alteration of a conserved nucleotide that leads to the alteration of an amino acid residue in the RING domain of BRCA1 protein (InterPro). 4/5 in silico tools predict a damaging outcome for this variant and several functional studies demonstrated the Cys61Gly mutation affects several functional properties of the BRCA1 NH2-terminal domain (e.g. Brzovic 1998, 2003). This variant was found in 8/119006 control chromosomes, predominantly observed in the European (Non-Finnish) subpopulation at a frequency of 0.000122 (8/65364). This frequency is smaller than the estimated maximal expected allele frequency of a pathogenic BRCA1 variant (0.0010005). This is a well established disease variant that was reported in multiple patients with HBOC (e.g. Friedman 1994, Gorski 2000, Thorstenson 2003, Bogdanova 2010). In addition, multiple clinical diagnostic laboratories/reputable databases classified this variant as pathogenic. Taken together, this variant is classified as pathogenic.

Institute for Biomarker Research, Medical Diagnostic Laboratories, L.L.C.
Classification: Pathogenic for Hereditary cancer-predisposing syndrome. Last evaluated: 2017-07-12. Review status: criteria provided, single submitter. Criteria: ACMG Guidelines, 2015. Collection method: clinical testing. Allele origin: germline. Not counted in ClinVar's aggregate classification.

Human Genome Sequencing Center Clinical Lab, Baylor College of Medicine
Classification: Pathogenic for Breast-ovarian cancer, familial, susceptibility to, 1. Last evaluated: 2017-05-25. Review status: criteria provided, single submitter. Criteria: ACMG Guidelines, 2015. Collection method: clinical testing. Allele origin: germline. Not counted in ClinVar's aggregate classification.
Comment: The c.181T>G (p.Cys61Gly) variant has been detected in a multiple patients with breast and ovarian cancer [PMID 20507347, 21965345, 21503673, 20180014, 20345474, 23695190, 24728189, 21324516, 20569256 among others] and prostate cancer [PMID 27433846]. Functional in vitro assays showed that this variant was deleterious [PMID 23867111]. This variant has been reported in 8 non-Finnish Europeans from the ExAC database. This variant occurs at high frequency in Eastern European countries and is considered a founder mutation in these countries [PMID 20507347, 20345474]. Cysteine at amino acid position 61 of the BRCA1 protein is highly conserved in mammals. While not validated for clinical use, computer-based algorithms predict this p.Cys61Gly change to be deleterious. Other changes affecting the same amino acid have been reported in patients with breast and/or ovarian cancer (p.Cys61Arg, p.Cys61Ser, p.Cys61Tyr). This variant is classified as pathogenic.

Department of Pathology and Molecular Medicine, Queen's University
Classification: Pathogenic for Hereditary breast ovarian cancer syndrome. Last evaluated: 2017-04-20. Review status: criteria provided, single submitter. Criteria: ACMG Guidelines, 2015. Collection method: clinical testing. Allele origin: germline. Study: The Canadian Open Genetics Repository (COGR). Not counted in ClinVar's aggregate classification.

Baylor Genetics
Classification: Pathogenic for Familial cancer of breast. Last evaluated: 2017-02-23. Review status: criteria provided, single submitter. Criteria: ACMG Guidelines, 2015. Collection method: clinical testing. Allele origin: germline. Inheritance: Autosomal dominant inheritance. Affected: yes. Observed: 1 variant allele. Not counted in ClinVar's aggregate classification.

Consortium of Investigators of Modifiers of BRCA1/2 (CIMBA), c/o University of Cambridge
Classification: Pathogenic for Breast-ovarian cancer, familial, susceptibility to, 1. Last evaluated: 2015-10-02. Review status: criteria provided, single submitter. Criteria: CIMBA Mutation Classification guidelines May 2016. Collection method: clinical testing. Allele origin: germline. Not counted in ClinVar's aggregate classification.

Department of Medical Genetics, Oslo University Hospital
Classification: Pathogenic for Breast-ovarian cancer, familial, susceptibility to, 1. Last evaluated: 2015-07-01. Review status: criteria provided, single submitter. Criteria: ACMG Guidelines, 2015. Collection method: clinical testing. Allele origin: germline. Affected: yes. Observed: 5 variant alleles. Not counted in ClinVar's aggregate classification.

Eurofins Ntd Llc (ga)
Classification: Pathogenic. Last evaluated: 2015-05-13. Review status: criteria provided, single submitter. Criteria: EGL Classification Definitions 2015. Collection method: clinical testing. Allele origin: germline. Observed: 3 variant alleles, 3 heterozygotes. Not counted in ClinVar's aggregate classification.

Molecular Genetics Laboratory, University of Michigan
Classification: Pathogenic for Breast-ovarian cancer, familial, susceptibility to, 1. Last evaluated: 2014-11-03. Review status: criteria provided, single submitter. Criteria: ACMG Guidelines, 2015. Collection method: clinical testing. Allele origin: germline. Affected: yes. Not counted in ClinVar's aggregate classification.

Clinical Genetics and Genomics, Karolinska University Hospital
Classification: Pathogenic. Last evaluated: 2014-06-13. Review status: criteria provided, single submitter. Criteria: ACMG Guidelines, 2015. Collection method: clinical testing. Allele origin: germline. Affected: yes. Observed: 14 variant alleles. Not counted in ClinVar's aggregate classification.

Clinical and Functional Genomics Group, A.C.Camargo Cancer Center
Classification: Pathogenic for Breast Cancer. Review status: criteria provided, single submitter. Criteria: Carraro et al. (PLoS One. 2013). Collection method: research. Allele origin: germline. Affected: yes. Not counted in ClinVar's aggregate classification.